The following is an entry in ClinVar:

NM_015214.3(DDHD2):c.1891+5G>A

Gene: DDHD2 (DDHD domain containing 2; plus strand). Cytogenetic location: 8p11.23.
Variant type: single nucleotide variant.
Coding change: c.1891+5G>A on transcript NM_015214.3 (MANE Select); 5 bases into the intron after coding-DNA position 1891, G replaced by A.
Molecular consequence: intron variant.
Genome position (GRCh38, 1-based): chr8:38,253,132, G>A. VCF-style: chr8-38253132-G-A. GRCh37 (hg19) VCF-style: chr8-38110650-G-A.
Other names: c.1891+5G>A (NM_001362914.2, NM_001362912.2, NM_001362911.2 and 1 more transcripts); c.1801+5G>A (NM_001362913.2).
Identifiers: ClinVar variation 4084977 (VCV004084977.8).

ClinVar aggregate classification (germline): Uncertain significance (1 of 4 stars; one submission).

gnomAD v4.1: 46 of 1,612,576 alleles (0.0029%); highest among the groups gnomAD compares: Non-Finnish European, 0.0039%; no homozygotes.

Submission:

CeGaT Center for Human Genetics Tuebingen
Classification: Uncertain significance. Last evaluated: 2025-08-01. Review status: criteria provided, single submitter. Criteria: CeGaT Center For Human Genetics Tuebingen Variant Classification Criteria Version 2. Collection method: clinical testing. Allele origin: germline. Affected: yes. Observed: 1 variant allele.
Comment: DDHD2: PM2, PP3